The following is an entry in ClinVar:

NM_007294.4(BRCA1):c.2627_2628delinsTT (p.Gly876Val)

Gene: BRCA1 (BRCA1 DNA repair associated; minus strand). Cytogenetic location: 17q21.31.
Variant type: Indel.
Coding change: c.2627_2628delinsTT on transcript NM_007294.4 (MANE Select); coding-DNA positions 2627 to 2628, GA replaced by TT.
Protein change: p.Gly876Val; replaces glycine 876 with valine.
Molecular consequence: missense variant. On other transcripts: intron variant (137).
Genome position (GRCh38, 1-based): chr17:43,092,903-43,092,904, TC replaced by AA on the plus strand (GA replaced by TT on the coding strand, the reverse complement: BRCA1 is on the minus strand). VCF-style: chr17-43092903-TC-AA. GRCh37 (hg19) VCF-style: chr17-41244920-TC-AA.
Other names: c.2417_2418delinsTT, p.Gly806Val (NM_001407907.1, NM_001407910.1, NM_001407908.1 and 13 more transcripts); c.2414_2415delinsTT, p.Gly805Val (NM_001407915.1, NM_001407916.1, NM_001407571.1 and 9 more transcripts); c.664+1840_664+1841delinsTT (NM_001408443.1, NM_001408439.1, NM_001408425.1 and 12 more transcripts); c.671-1872_671-1871delinsTT (NM_001408419.1, NM_001408422.1, NM_001408418.1 and 2 more transcripts); c.787+1840_787+1841delinsTT (NM_001408403.1, NM_001407983.1, NM_001407975.1 and 17 more transcripts); c.790+1837_790+1838delinsTT (NM_001408406.1); c.646+1840_646+1841delinsTT (NM_001408456.1, NM_001408410.1, NM_001408458.1 and 11 more transcripts); c.643+1840_643+1841delinsTT (NM_001408465.1, NM_001408463.1, NM_001408462.1 and 3 more transcripts); and 41 more; short protein forms G708V, G764V, G809V, G835V, G850V, G876V, G580V, G788V.
Identifiers: ClinVar variation 1794006 (VCV001794006.4), dbSNP rs2552185962, ClinGen allele CA2580094005.
Genomic context (GRCh38, chr17:43,092,903, plus strand): 5'-ACTTTGTTTCTTTAAGGACCCAGAGTGGGCAGAGAATGTTGCACATTCCTCTTCTGCATT[TC>AA]CTGGATTTGAAAACGGAGCAAATGACTGGCGCTTTGAAACCTTGAATGTATTCTGCAAAT-3'
Protein context (NP_009225.1, residues 866-886): RQSFAPFSNP[Gly876Val]NAEEECATFS

ClinVar aggregate classification (germline): Conflicting classifications of pathogenicity. Review status: criteria provided, conflicting classifications (1 of 4 stars). 2 submissions from 2 submitters: Uncertain significance (1); Likely benign (1). Last evaluated 2023-03-23.

Conditions:
Hereditary cancer-predisposing syndrome. Also called: Tumor predisposition; Hereditary Cancer Syndrome; Neoplastic Syndromes, Hereditary; Hereditary neoplastic syndrome. Identifiers: Orphanet 140162, MedGen C0027672, MeSH D009386, MONDO:0015356.

Submissions (2):

University of Washington Department of Laboratory Medicine, University of Washington
Classification: Likely benign for Hereditary cancer-predisposing syndrome. Last evaluated: 2023-03-23. Review status: criteria provided, single submitter. Criteria: Dines et al. (Genet Med. 2020). Collection method: curation. Allele origin: germline.
Comment: Missense variant in a coldspot region where missense variants are very unlikely to be pathogenic (PMID:31911673).

BRCA1 coldspot (exon 11 using historical exon numbering). Reclassification based on statistical prior probability

Ambry Genetics
Classification: Uncertain significance for Hereditary cancer-predisposing syndrome. Last evaluated: 2020-11-20. Review status: criteria provided, single submitter. Criteria: Ambry Variant Classification Scheme 2023. Collection method: clinical testing. Allele origin: germline.
Comment: The c.2627_2628delGAinsTT variant, located in coding exon 9 of the BRCA1 gene, results from an in-frame deletion of GA and insertion of TT at nucleotide positions 2627 to 2628. This results in the substitution of the glycine residue for a valine residue at codon 876, an amino acid with dissimilar properties. This amino acid position is well conserved in available vertebrate species. Since supporting evidence is limited at this time, the clinical significance of this alteration remains unclear.